The following is an entry in ClinVar:

ClinVar aggregate classification (germline): Uncertain significance. Review status: criteria provided, multiple submitters, no conflicts (2 of 4 stars). 2 submissions from 2 submitters: Uncertain significance (2). Last evaluated 2025-07-15.

Allele frequency attached by ClinVar (database versions not stated): gnomAD exomes below 0.00001; TOPMed 0.00001.
gnomAD v4.1: 6 of 1,613,114 alleles (0.00037%); highest among the groups gnomAD compares: Non-Finnish European, 0.00051%; no homozygotes.

Submissions (2):

Ambry Genetics
Classification: Uncertain significance. Last evaluated: 2025-07-15. Review status: criteria provided, single submitter. Criteria: Ambry Variant Classification Scheme 2023. Collection method: clinical testing. Allele origin: germline.

Labcorp Genetics (formerly Invitae), Labcorp
Classification: Uncertain significance. Last evaluated: 2021-08-12. Review status: criteria provided, single submitter. Criteria: Invitae Variant Classification Sherloc (09022015). Collection method: clinical testing. Allele origin: germline.
Comment: In summary, the available evidence is currently insufficient to determine the role of this variant in disease. Therefore, it has been classified as a Variant of Uncertain Significance. Algorithms developed to predict the effect of missense changes on protein structure and function (SIFT, PolyPhen-2, Align-GVGD) all suggest that this variant is likely to be tolerated. This variant has not been reported in the literature in individuals affected with RIMS1-related conditions. This variant is not present in population databases (ExAC no frequency). This sequence change replaces serine with glycine at codon 242 of the RIMS1 protein (p.Ser242Gly). The serine residue is moderately conserved and there is a small physicochemical difference between serine and glycine.

NM_014989.7(RIMS1):c.724A>G (p.Ser242Gly)

Gene: RIMS1 (regulating synaptic membrane exocytosis 1; plus strand). Cytogenetic location: 6q13.
Variant type: single nucleotide variant.
Coding change: c.724A>G on transcript NM_014989.7 (MANE Select); coding-DNA position 724, A replaced by G.
Protein change: p.Ser242Gly; replaces serine 242 with glycine.
Molecular consequence: missense variant.
Genome position (GRCh38, 1-based): chr6:72,179,827, A>G. VCF-style: chr6-72179827-A-G. GRCh37 (hg19) VCF-style: chr6-72889530-A-G.
Other names: c.724A>G (NM_014989.4); short protein forms S242G.
Identifiers: ClinVar variation 1367765 (VCV001367765.7), dbSNP rs1313186837, ClinGen allele CA364818755.